The following is an entry in ClinVar:

NM_000487.6(ARSA):c.1274A>G (p.His425Arg)

Gene: ARSA (arylsulfatase A; minus strand). Cytogenetic location: 22q13.33.
Variant type: single nucleotide variant.
Coding change: c.1274A>G on transcript NM_000487.6 (MANE Select); coding-DNA position 1274, A replaced by G.
Protein change: p.His425Arg; replaces histidine 425 with arginine.
Molecular consequence: missense variant.
Genome position (GRCh38, 1-based): chr22:50,625,401, T>C on the plus strand (A>G on the coding strand, the complement: ARSA is on the minus strand). VCF-style: chr22-50625401-T-C. GRCh37 (hg19) VCF-style: chr22-51063829-T-C.
Other names: c.1274A>G, p.His425Arg (NM_001085425.3, NM_001085426.3, NM_001085427.3); c.1016A>G, p.His339Arg (NM_001085428.3, NM_001362782.2); short protein forms H425R, H339R.
Identifiers: ClinVar variation 431090 (VCV000431090.3), dbSNP rs1135401757, ClinGen allele CA412168978.

ClinVar aggregate classification (germline): Pathogenic/Likely pathogenic. Review status: criteria provided, multiple submitters, no conflicts (2 of 4 stars). 3 submissions from 3 submitters: Pathogenic (1); Likely pathogenic (2). Last evaluated 2024-05-14.

Conditions:
Metachromatic leukodystrophy (MLD). Also called: ARSA DEFICIENCY; CEREBROSIDE SULFATASE DEFICIENCY; Cerebral sclerosis diffuse metachromatic form; Arylsulfatase A Deficiency; METACHROMATIC LEUKOENCEPHALOPATHY; SULFATIDE LIPIDOSIS. Identifiers: Orphanet 512, MedGen C0023522, MONDO:0018868, OMIM 250100.

Submissions (3):

Fulgent Genetics
Classification: Likely pathogenic for Metachromatic leukodystrophy. Last evaluated: 2024-05-14. Review status: criteria provided, single submitter. Criteria: ACMG Guidelines, 2015. Collection method: clinical testing. Allele origin: germline.

Women's Health and Genetics/Laboratory Corporation of America, LabCorp
Classification: Likely pathogenic for Metachromatic leukodystrophy. Last evaluated: 2024-04-30. Review status: criteria provided, single submitter. Criteria: LabCorp Variant Classification Summary - May 2015. Collection method: clinical testing. Allele origin: germline.
Comment: Variant summary: ARSA c.1274A>G (p.His425Arg) results in a non-conservative amino acid change in the encoded protein sequence. Four of four in-silico tools predict a damaging effect of the variant on protein function. The variant was absent in 241050 control chromosomes (gnomAD). c.1274A>G has been reported in the literature in an individual affected with Metachromatic Leukodystrophy (Bohringer_2017). These data do not allow any conclusion about variant significance. This publication also reports experimental evidence evaluating an impact on protein function, finding that the variant results in <10% of normal activity. The following publication has been ascertained in the context of this evaluation (PMID: 28762252). ClinVar contains an entry for this variant (Variation ID: 431090). Based on the evidence outlined above, the variant was classified as likely pathogenic.

Neurometabolisches Labor, University hospital Tuebingen
Classification: Pathogenic for Metachromatic leukodystrophy. Last evaluated: 2017-05-01. Review status: criteria provided, single submitter. Criteria: BÃ¶hringer et al. (Hum Mutat. 2017). Collection method: research. Allele origin: unknown. Affected: yes.

Literature cited by the submitters: PubMed 28762252 (cited by Women's Health and Genetics/Laboratory Corporation of America, LabCorp).